The following is an entry in ClinVar:

ClinVar aggregate classification (germline): Uncertain significance (1 of 4 stars; one submission).

Conditions:
Fanconi anemia (FA). Also called: Fanconi's anemia. Identifiers: Orphanet 84, MedGen C0015625, MeSH D005199, MONDO:0019391.

gnomAD v4.1: 1 of 1,609,802 alleles (0.000062%); highest among the groups gnomAD compares: Non-Finnish European, 0.000085%; no homozygotes.

Submission:

Labcorp Genetics (formerly Invitae), Labcorp
Classification: Uncertain significance for Fanconi anemia. Last evaluated: 2023-10-25. Review status: criteria provided, single submitter. Criteria: Invitae Variant Classification Sherloc (09022015). Collection method: clinical testing. Allele origin: germline.
Comment: This sequence change replaces lysine, which is basic and polar, with glutamic acid, which is acidic and polar, at codon 91 of the FANCD2 protein (p.Lys91Glu). This variant is not present in population databases (gnomAD no frequency). This variant has not been reported in the literature in individuals affected with FANCD2-related conditions. An algorithm developed to predict the effect of missense changes on protein structure and function (PolyPhen-2) suggests that this variant is likely to be tolerated. In summary, the available evidence is currently insufficient to determine the role of this variant in disease. Therefore, it has been classified as a Variant of Uncertain Significance.

NM_001018115.3(FANCD2):c.271A>G (p.Lys91Glu)

Genes: FANCD2 (FA complementation group D2; plus strand), LOC107303338 (3p25 FANCD2 Alu-mediated recombination region; plus strand). Cytogenetic location: 3p25.3.
Variant type: single nucleotide variant.
Coding change: c.271A>G on transcript NM_001018115.3 (MANE Select); coding-DNA position 271, A replaced by G.
Protein change: p.Lys91Glu; replaces lysine 91 with glutamic acid.
Molecular consequence: missense variant.
Genome position (GRCh38, 1-based): chr3:10,034,534, A>G. VCF-style: chr3-10034534-A-G. GRCh37 (hg19) VCF-style: chr3-10076218-A-G.
Other names: c.271A>G, p.Lys91Glu (NM_001319984.2, NM_001374253.1, NM_001374254.1 and 2 more transcripts); short protein forms K91E.
Identifiers: ClinVar variation 2904306 (VCV002904306.3), dbSNP rs752880741, ClinGen allele CA351720385.